The following is an entry in ClinVar:

NM_000169.3(GLA):c.979C>A (p.Gln327Lys)

Genes: GLA (galactosidase alpha; minus strand), RPL36A-HNRNPH2 (RPL36A-HNRNPH2 readthrough; plus strand). Cytogenetic location: Xq22.1.
Variant type: single nucleotide variant.
Coding change: c.979C>A on transcript NM_000169.3 (MANE Select); coding-DNA position 979, C replaced by A.
Protein change: p.Gln327Lys; replaces glutamine 327 with lysine.
Molecular consequence: missense variant. On other transcripts: non-coding transcript variant (3), intron variant (2).
Genome position (GRCh38, 1-based): chrX:101,398,390, G>T on the plus strand (C>A on the coding strand, the complement: GLA is on the minus strand). VCF-style: chrX-101398390-G-T. GRCh37 (hg19) VCF-style: chrX-100653378-G-T.
Other names: c.1102C>A, p.Gln368Lys (NM_001406747.1); c.979C>A, p.Gln327Lys (NM_001406748.1); c.300+2933G>T (NM_001199973.2); c.177+6568G>T (NM_001199974.2); short protein forms Q327K, Q368K.
Identifiers: ClinVar variation 10739 (VCV000010739.3), dbSNP rs28935491, ClinGen allele CA022249.

ClinVar aggregate classification (germline): Likely pathogenic. Review status: criteria provided, single submitter (1 of 4 stars). 2 submissions from 2 submitters: Likely pathogenic (1). 1 of the submissions does not count toward it. Last evaluated 2026-09-08.

Conditions:
Fabry disease. Also called: Ceramide trihexosidosis; Fabry's disease; CERAMIDE TRIHEXOSIDASE DEFICIENCY; GLA DEFICIENCY; HEREDITARY DYSTOPIC LIPIDOSIS; ALPHA-GALACTOSIDASE A DEFICIENCY. Identifiers: Orphanet 324, MedGen C0002986, MONDO:0010526, OMIM 301500, HP:0001071. Disease mechanism: Fabry disease is due to inactivating mutations in the X-linked GLA gene resulting in deficiency of the enzyme Alpha Galactosidase-A., loss of function.

Submissions (2):

Genomenon, Inc
Classification: Likely pathogenic for Fabry disease. Last evaluated: 2026-09-08. Review status: criteria provided, single submitter. Criteria: Genomenon Sequence Variant Interpretation Standards - Updated. Collection method: curation. Allele origin: germline. Affected: yes.
Comment: GLA p.Gln327Lys (c.979C>A) is a missense variant that changes the amino acid at codon 327 from Glutamine to Lysine. This variant has been observed in at least one proband with clinical features consistent with Fabry disease (PMID:10208848;8395937;39595144;8069316;25865499). At least one functional study has demonstrated a substantial alteration in protein function relative to the wild-type (PMID:32023956;27657681). It is absent or not present at a significant frequency in gnomAD. In silico models predict that this variant is possibly or probably damaging. In conclusion, we classify GLA p.Gln327Lys (c.979C>A) as a likely pathogenic variant.

OMIM
Classification: Pathogenic for FABRY DISEASE. Last evaluated: 1993-07-01. Review status: no assertion criteria provided. Collection method: literature only. Allele origin: germline. Not counted in ClinVar's aggregate classification.

Literature cited by the submitters: PubMed 10208848 (cited by Genomenon, Inc); PubMed 8395937 (cited by Genomenon, Inc and OMIM); PubMed 39595144 (cited by Genomenon, Inc); PubMed 8069316 (cited by Genomenon, Inc); PubMed 25865499 (cited by Genomenon, Inc); PubMed 32023956 (cited by Genomenon, Inc); PubMed 27657681 (cited by Genomenon, Inc).